The following is an entry in ClinVar:

NM_000059.4(BRCA2):c.4161A>C (p.Leu1387Phe)

Gene: BRCA2 (BRCA2 DNA repair associated; plus strand). Cytogenetic location: 13q13.1.
Variant type: single nucleotide variant.
Coding change: c.4161A>C on transcript NM_000059.4 (MANE Select); coding-DNA position 4161, A replaced by C.
Protein change: p.Leu1387Phe; replaces leucine 1387 with phenylalanine.
Molecular consequence: missense variant. On other transcripts: non-coding transcript variant (1), intron variant (2).
Genome position (GRCh38, 1-based): chr13:32,338,516, A>C. VCF-style: chr13-32338516-A-C. GRCh37 (hg19) VCF-style: chr13-32912653-A-C.
Other names: c.4161A>C, p.Leu1387Phe (NM_001406719.1, NM_001406720.1, NM_001432077.1); c.1909+5129A>C (NM_001406721.1); c.425-6042A>C (NM_001406722.1); short protein forms L1387F.
Identifiers: ClinVar variation 4802303 (VCV004802303.1).

ClinVar aggregate classification (germline): Uncertain significance (1 of 4 stars; one submission).

Conditions:
Hereditary breast ovarian cancer syndrome. Also called: Hereditary breast and ovarian cancer syndrome (HBOC); Hereditary breast and ovarian cancer; Breast and ovarian cancer; Hereditary breast and/or ovarian cancer syndrome; BRCA1- and BRCA2-Associated Hereditary Breast and Ovarian Cancer; Hereditary breast and ovarian cancer syndrome. Identifiers: Orphanet 145, MedGen C0677776, MeSH D061325, MONDO:0003582. Disease mechanism: loss of function.

Submission:

Labcorp Genetics (formerly Invitae), Labcorp
Classification: Uncertain significance for Hereditary breast ovarian cancer syndrome. Last evaluated: 2025-10-19. Review status: criteria provided, single submitter. Criteria: Invitae Variant Classification Sherloc (09022015). Collection method: clinical testing. Allele origin: germline.
Comment: This sequence change replaces leucine, which is neutral and non-polar, with phenylalanine, which is neutral and non-polar, at codon 1387 of the BRCA2 protein (p.Leu1387Phe). This variant is not present in population databases (gnomAD no frequency). This variant has not been reported in the literature in individuals affected with BRCA2-related conditions. Invitae Evidence Modeling of protein sequence and biophysical properties (such as structural, functional, and spatial information, amino acid conservation, physicochemical variation, residue mobility, and thermodynamic stability) indicates that this missense variant is not expected to disrupt BRCA2 protein function with a negative predictive value of 95%. In summary, the available evidence is currently insufficient to determine the role of this variant in disease. Therefore, it has been classified as a Variant of Uncertain Significance.